The following is an entry in ClinVar:

ClinVar aggregate classification (germline): Uncertain significance (1 of 4 stars; one submission).

gnomAD v4.1: 1 of 1,596,848 alleles (0.000063%); highest among the groups gnomAD compares: South Asian, 0.0011%; no homozygotes.

Submission:

Labcorp Genetics (formerly Invitae), Labcorp
Classification: Uncertain significance. Last evaluated: 2022-07-10. Review status: criteria provided, single submitter. Criteria: Invitae Variant Classification Sherloc (09022015). Collection method: clinical testing. Allele origin: germline.
Comment: This variant has not been reported in the literature in individuals affected with COL9A1-related conditions. Advanced modeling of protein sequence and biophysical properties (such as structural, functional, and spatial information, amino acid conservation, physicochemical variation, residue mobility, and thermodynamic stability) performed at Invitae indicates that this missense variant is not expected to disrupt COL9A1 protein function. In summary, the available evidence is currently insufficient to determine the role of this variant in disease. Therefore, it has been classified as a Variant of Uncertain Significance. The frequency data for this variant in the population databases is considered unreliable, as metrics indicate poor data quality at this position in the gnomAD database. This sequence change replaces proline, which is neutral and non-polar, with serine, which is neutral and polar, at codon 648 of the COL9A1 protein (p.Pro648Ser).

NM_001851.6(COL9A1):c.1942C>T (p.Pro648Ser)

Gene: COL9A1 (collagen type IX alpha 1 chain; minus strand). Cytogenetic location: 6q13.
Variant type: single nucleotide variant.
Coding change: c.1942C>T on transcript NM_001851.6 (MANE Select); coding-DNA position 1942, C replaced by T.
Protein change: p.Pro648Ser; replaces proline 648 with serine.
Molecular consequence: missense variant. On other transcripts: non-coding transcript variant (1).
Genome position (GRCh38, 1-based): chr6:70,242,020, G>A on the plus strand (C>T on the coding strand, the complement: COL9A1 is on the minus strand). VCF-style: chr6-70242020-G-A. GRCh37 (hg19) VCF-style: chr6-70951723-G-A.
Other names: c.1243C>T, p.Pro415Ser (NM_001377289.1); c.1213C>T, p.Pro405Ser (NM_001377290.1, NM_078485.4); short protein forms P405S, P415S, P648S.
Identifiers: ClinVar variation 2015815 (VCV002015815.4), dbSNP rs1030380513, ClinGen allele CA364675722.
Genomic context (GRCh38, chr6:70,242,020, plus strand): 5'-TTACCCTGTCACCTTTCATTCCAGGAAGTCCAGGGGGCCCAGGCAAGCCAGGGAGGCCAG[G>A]GCTACCCAGAGAACCCTGGAAAGCAAAAACAAAGTCCCCGGAGTTACTGTCACTGCAACA-3'
Protein context (NP_001842.3, residues 638-658): LPGKLGSLGS[Pro648Ser]GLPGLPGPPG